The following is an entry in ClinVar:

ClinVar aggregate classification (germline): Likely benign. Review status: criteria provided, single submitter (1 of 4 stars). 3 submissions from 3 submitters: Likely benign (1). 2 of the submissions do not count toward it. Last evaluated 2023-08-14.

Conditions:
HSD17B4-related disorder. Also called: HSD17B4-related condition; HSD17B4-related disorders.
Bifunctional peroxisomal enzyme deficiency (DBIF). Also called: D-bifunctional protein deficiency; PBFE DEFICIENCY; DBP DEFICIENCY. Identifiers: Orphanet 300, MedGen C0342870, MONDO:0009855, OMIM 261515. Disease mechanism: loss of function.
Perrault syndrome. Also called: Gonadal dysgenesis with auditory dysfunction, autosomal recessive inheritance. Identifiers: Orphanet 2855, MedGen C0685838, MONDO:0017312.

Allele frequency attached by ClinVar (database versions not stated): gnomAD exomes 0.00001; TOPMed 0.00001; gnomAD 0.00003; ESP Exome Variant Server 0.00008.
gnomAD v4.1: 19 of 1,613,764 alleles (0.0012%); highest among the groups gnomAD compares: Middle Eastern, 0.033%; no homozygotes.

Submissions (3):

Labcorp Genetics (formerly Invitae), Labcorp
Classification: Likely benign for Perrault syndrome; Bifunctional peroxisomal enzyme deficiency. Last evaluated: 2023-08-14. Review status: criteria provided, single submitter. Criteria: Invitae Variant Classification Sherloc (09022015). Collection method: clinical testing. Allele origin: germline.

Natera, Inc.
Classification: Likely benign for Bifunctional peroxisomal enzyme deficiency. Last evaluated: 2021-05-26. Review status: no assertion criteria provided. Collection method: clinical testing. Allele origin: germline. Not counted in ClinVar's aggregate classification.

PreventionGenetics, part of Exact Sciences
Classification: Likely benign for HSD17B4-related condition. Last evaluated: 2019-08-26. Review status: no assertion criteria provided. Collection method: clinical testing. Allele origin: germline. Not counted in ClinVar's aggregate classification.
Comment: This variant is classified as likely benign based on ACMG/AMP sequence variant interpretation guidelines (Richards et al. 2015 PMID: 25741868, with internal and published modifications).

NM_000414.4(HSD17B4):c.1155T>C (p.Ser385=)

Gene: HSD17B4 (hydroxysteroid 17-beta dehydrogenase 4; plus strand). Cytogenetic location: 5q23.1.
Variant type: single nucleotide variant.
Coding change: c.1155T>C on transcript NM_000414.4 (MANE Select); coding-DNA position 1155, T replaced by C.
Protein change: p.Ser385=; no amino-acid change (serine 385 retained).
Molecular consequence: synonymous variant. On other transcripts: non-coding transcript variant (2).
Genome position (GRCh38, 1-based): chr5:119,499,499, T>C. VCF-style: chr5-119499499-T-C. GRCh37 (hg19) VCF-style: chr5-118835194-T-C.
Other names: c.1230T>C, p.Ser410= (NM_001199291.3); c.1101T>C, p.Ser367= (NM_001199292.2); c.1083T>C, p.Ser361= (NM_001292027.2); c.735T>C, p.Ser245= (NM_001292028.2); c.1146T>C, p.Ser382= (NM_001374497.1); c.1155T>C, p.Ser385= (NM_001374498.1); c.828T>C, p.Ser276= (NM_001374499.1); c.714T>C, p.Ser238= (NM_001374500.1); and 2 more.
Identifiers: ClinVar variation 1109045 (VCV001109045.12), dbSNP rs370055428, ClinGen allele CA125882855.